The following is an entry in ClinVar:

NM_014053.4(FLVCR1):c.1631C>T (p.Thr544Met)

Gene: FLVCR1 (FLVCR choline and heme transporter 1; plus strand). Cytogenetic location: 1q32.3.
Variant type: single nucleotide variant.
Coding change: c.1631C>T on transcript NM_014053.4 (MANE Select); coding-DNA position 1631, C replaced by T.
Protein change: p.Thr544Met; replaces threonine 544 with methionine.
Molecular consequence: missense variant.
Genome position (GRCh38, 1-based): chr1:212,895,253, C>T. VCF-style: chr1-212895253-C-T. GRCh37 (hg19) VCF-style: chr1-213068595-C-T.
Other names: short protein forms T544M.
Identifiers: ClinVar variation 129103 (VCV000129103.27), dbSNP rs3207090, ClinGen allele CA152895.
Genomic context (GRCh38, chr1:212,895,253, plus strand): 5'-TAATCTTCTGATTGTTTTTATAGATACCAGCTGACAGTCCCACAGACCAAGAACCAAAAA[C>T]GGTTATGTTGTCCAAGCAGTCAGAATCAGCAATTTGAAGAGAAAGGCAAAGTTACTGTCC-3'
Protein context (NP_054772.1, residues 534-554): ADSPTDQEPK[Thr544Met]VMLSKQSESA

ClinVar aggregate classification (germline): Benign. Review status: criteria provided, multiple submitters, no conflicts (2 of 4 stars). 12 submissions from 12 submitters: Benign (8). 4 of the submissions do not count toward it. Last evaluated 2026-02-03.

Conditions:
Posterior column ataxia-retinitis pigmentosa syndrome (RETSNS). Also called: RETINOPATHY-SENSORY NEUROPATHY SYNDROME. Identifiers: Orphanet 88628, MedGen C1836916, MONDO:0012177, OMIM 609033.

Allele frequency attached by ClinVar (database versions not stated): TOPMed 0.36313; 1000 Genomes Project 30x 0.36914; 1000 Genomes Project 0.37939; ESP Exome Variant Server 0.38490; gnomAD 0.38895 and 0.39516; gnomAD exomes 0.44345 and 0.47525; ExAC 0.44923.
gnomAD v4.1: 750,795 of 1,609,178 alleles (47%); highest among the groups gnomAD compares: South Asian, 50%; 180,923 homozygotes.

Submissions (12):

Labcorp Genetics (formerly Invitae), Labcorp
Classification: Benign. Last evaluated: 2026-02-03. Review status: criteria provided, single submitter. Criteria: Invitae Variant Classification Sherloc (09022015). Collection method: clinical testing. Allele origin: germline.

Blueprint Genetics
Classification: Benign. Last evaluated: 2024-11-26. Review status: criteria provided, single submitter. Criteria: ACMG Guidelines, 2015. Collection method: clinical testing. Allele origin: germline.

Genome-Nilou Lab
Classification: Benign for Posterior column ataxia-retinitis pigmentosa syndrome. Last evaluated: 2021-08-10. Review status: criteria provided, single submitter. Criteria: ACMG Guidelines, 2015. Collection method: clinical testing. Allele origin: germline. Affected: no.

Athena Diagnostics
Classification: Benign. Last evaluated: 2019-07-15. Review status: criteria provided, single submitter. Criteria: Athena Diagnostics Criteria. Collection method: clinical testing. Allele origin: germline.

Illumina Laboratory Services, Illumina
Classification: Benign for Posterior column ataxia-retinitis pigmentosa syndrome. Last evaluated: 2018-01-13. Review status: criteria provided, single submitter. Criteria: ICSL Variant Classification Criteria 13 December 2019. Collection method: clinical testing. Allele origin: germline.
Comment: This variant was observed in the ICSL laboratory as part of a predisposition screen in an ostensibly healthy population. It had not been previously curated by ICSL or reported in the Human Gene Mutation Database (HGMD: prior to June 1st, 2018), and was therefore a candidate for classification through an automated scoring system. Utilizing variant allele frequency, disease prevalence and penetrance estimates, and inheritance mode, an automated score was calculated to assess if this variant is too frequent to cause the disease. Based on the score and internal cut-off values, a variant classified as benign is not then subjected to further curation. The score for this variant resulted in a classification of benign for this disease.

Mayo Clinic Laboratories, Mayo Clinic
Classification: Benign. Last evaluated: 2017-07-21. Review status: criteria provided, single submitter. Criteria: ACMG Guidelines, 2015. Collection method: clinical testing. Allele origin: germline. Observed: 1,179 variant alleles.

Clinical Genetics DNA and cytogenetics Diagnostics Lab, Erasmus MC, Erasmus Medical Center
Classification: Benign for Posterior column ataxia-retinitis pigmentosa syndrome. Last evaluated: 2015-09-21. Review status: criteria provided, single submitter. Criteria: ACGS Guidelines, 2013. Collection method: clinical testing. Allele origin: germline. Affected: yes. Study: VKGL Data-share Consensus.

Breakthrough Genomics
Classification: Benign. Review status: criteria provided, single submitter. Criteria: ACMG Guidelines, 2015. Collection method: not provided. Allele origin: germline. Inheritance: Autosomal recessive inheritance. Affected: yes.

Clinical Genetics, Academic Medical Center
Classification: Benign. Review status: no assertion criteria provided. Collection method: clinical testing. Allele origin: germline. Affected: yes. Study: VKGL Data-share Consensus. Not counted in ClinVar's aggregate classification.

Diagnostic Laboratory, Department of Genetics, University Medical Center Groningen
Classification: Benign for Posterior column ataxia-retinitis pigmentosa syndrome. Review status: no assertion criteria provided. Collection method: clinical testing. Allele origin: germline. Affected: yes. Study: VKGL Data-share Consensus. Not counted in ClinVar's aggregate classification.

Genetic Services Laboratory, University of Chicago
Classification: Likely benign for AllHighlyPenetrant. Review status: no assertion criteria provided. Collection method: clinical testing. Allele origin: germline. Inheritance: Autosomal recessive inheritance. Not counted in ClinVar's aggregate classification.
Comment: Likely benign based on allele frequency in 1000 Genomes Project or ESP global frequency and its presence in a patient with a rare or unrelated disease phenotype. NOT Sanger confirmed.

Joint Genome Diagnostic Labs from Nijmegen and Maastricht, Radboudumc and MUMC+
Classification: Benign. Review status: no assertion criteria provided. Collection method: clinical testing. Allele origin: germline. Affected: yes. Study: VKGL Data-share Consensus. Not counted in ClinVar's aggregate classification.